The following is an entry in ClinVar:

ClinVar aggregate classification (germline): Benign (0 of 4 stars; one submission).

Conditions:
CARD10-related disorder. Also called: CARD10-related condition.

Allele frequency attached by ClinVar (database versions not stated): ESP Exome Variant Server 0.00023; TOPMed 0.00031; gnomAD 0.00096; gnomAD exomes 0.00171; ExAC 0.00403; 1000 Genomes Project 0.00639; 1000 Genomes Project 30x 0.00656.
gnomAD v4.1: 2,656 of 1,614,122 alleles (0.16%); highest among the groups gnomAD compares: South Asian, 2.7%; 37 homozygotes.

Submission:

PreventionGenetics, part of Exact Sciences
Classification: Benign for CARD10-related condition. Last evaluated: 2019-06-07. Review status: no assertion criteria provided. Collection method: clinical testing. Allele origin: germline.
Comment: This variant is classified as benign based on ACMG/AMP sequence variant interpretation guidelines (Richards et al. 2015 PMID: 25741868, with internal and published modifications).

NM_014550.4(CARD10):c.2113G>A (p.Glu705Lys)

Gene: CARD10 (caspase recruitment domain family member 10; minus strand). Cytogenetic location: 22q13.1.
Variant type: single nucleotide variant.
Coding change: c.2113G>A on transcript NM_014550.4 (MANE Select); coding-DNA position 2113, G replaced by A.
Protein change: p.Glu705Lys; replaces glutamic acid 705 with lysine.
Molecular consequence: missense variant.
Genome position (GRCh38, 1-based): chr22:37,495,950, C>T on the plus strand (G>A on the coding strand, the complement: CARD10 is on the minus strand). VCF-style: chr22-37495950-C-T. GRCh37 (hg19) VCF-style: chr22-37891957-C-T.
Other names: short protein forms E705K.
Identifiers: ClinVar variation 3043839 (VCV003043839.2), dbSNP rs143997223, ClinGen allele CA10219577.